The following is an entry in ClinVar:

NM_000069.3(CACNA1S):c.4525G>C (p.Val1509Leu)

Gene: CACNA1S (calcium voltage-gated channel subunit alpha1 S; minus strand). Cytogenetic location: 1q32.1.
Variant type: single nucleotide variant.
Coding change: c.4525G>C on transcript NM_000069.3 (MANE Select); coding-DNA position 4525, G replaced by C.
Protein change: p.Val1509Leu; replaces valine 1509 with leucine.
Molecular consequence: missense variant.
Genome position (GRCh38, 1-based): chr1:201,047,543, C>G on the plus strand (G>C on the coding strand, the complement: CACNA1S is on the minus strand). VCF-style: chr1-201047543-C-G. GRCh37 (hg19) VCF-style: chr1-201016671-C-G.
Other names: short protein forms V1509L.
Identifiers: ClinVar variation 4758104 (VCV004758104.1).

ClinVar aggregate classification (germline): Uncertain significance (1 of 4 stars; one submission).

Conditions:
Malignant hyperthermia, susceptibility to, 5 (MHS5). Also called: CACNA1S-Related Malignant Hyperthermia Susceptibility. Identifiers: Orphanet 423, MedGen C1866077, MONDO:0011163, OMIM 601887.

Submission:

Color Diagnostics, LLC DBA Color Health
Classification: Uncertain significance for Malignant hyperthermia, susceptibility to, 5. Last evaluated: 2025-09-29. Review status: criteria provided, single submitter. Criteria: ACMG Guidelines, 2015. Collection method: clinical testing. Allele origin: germline.
Comment: This missense variant replaces valine with leucine at codon 1509 of the CACNA1S protein. Computational prediction suggests that this variant may not impact protein structure and function. To our knowledge, functional studies have not been reported for this variant. This variant has not been reported in individuals affected with CACNA1S-related disorders in the literature. This variant has not been identified in the general population by the Genome Aggregation Database (gnomAD). The available evidence is insufficient to determine the role of this variant in disease conclusively. Therefore, this variant is classified as a Variant of Uncertain Significance.